The following is an entry in ClinVar:

NM_001330260.2(SCN8A):c.1774GAG[1] (p.Glu593del)

Gene: SCN8A (sodium voltage-gated channel alpha subunit 8; plus strand). Cytogenetic location: 12q13.13.
Variant type: Microsatellite.
Coding change: c.1774GAG[1] on transcript NM_001330260.2 (MANE Select); one copy of the 3-base unit GAG starting at c.1774; the reference has two copies in a row; one copy, 3 bases deleted.
Protein change: p.Glu593del; deletes glutamic acid 593.
Molecular consequence: inframe deletion.
Genome position (GRCh38, 1-based): chr12:51,721,687-51,721,689, GAG deleted; deleting any 3 consecutive bases within chr12:51,721,683-51,721,689 gives the same sequence; the position shown is the placement nearest the transcript's 3' end. VCF-style (leftmost placement, unchanged base first): chr12-51721682-TGGA-T. GRCh37 (hg19) VCF-style: chr12-52115466-TGGA-T.
Other names: c.1774GAG[1], p.Glu593del (NM_001177984.3, NM_001369788.1, NM_014191.4); short protein forms E593del.
Identifiers: ClinVar variation 1001404 (VCV001001404.7), dbSNP rs1942065333, ClinGen allele CA2036149574.

ClinVar aggregate classification (germline): Uncertain significance (1 of 4 stars; one submission).

Conditions:
Early-infantile DEE. Also called: Early infantile epileptic encephalopathy with suppression bursts; Early infantile epileptic encephalopathy; Ohtahara syndrome. Identifiers: Orphanet 1934, MedGen C0393706, MONDO:0800491.

Submission:

Labcorp Genetics (formerly Invitae), Labcorp
Classification: Uncertain significance for Early-infantile DEE. Last evaluated: 2022-05-06. Review status: criteria provided, single submitter. Criteria: Invitae Variant Classification Sherloc (09022015). Collection method: clinical testing. Allele origin: germline.
Comment: This variant, c.1777_1779del, results in the deletion of 1 amino acid(s) of the SCN8A protein (p.Glu593del), but otherwise preserves the integrity of the reading frame. This variant is not present in population databases (gnomAD no frequency). This variant has not been reported in the literature in individuals affected with SCN8A-related conditions. In summary, the available evidence is currently insufficient to determine the role of this variant in disease. Therefore, it has been classified as a Variant of Uncertain Significance. Experimental studies and prediction algorithms are not available or were not evaluated, and the functional significance of this variant is currently unknown.